The following is an entry in ClinVar:

ClinVar aggregate classification (germline): Uncertain significance (1 of 4 stars; one submission).

Submission:

Mayo Clinic Laboratories, Mayo Clinic
Classification: Uncertain significance. Last evaluated: 2025-05-20. Review status: criteria provided, single submitter. Criteria: ACMG Guidelines, 2015. Collection method: clinical testing. Allele origin: germline. Observed: 1 variant allele.
Comment: BP4_strong, PM2_supporting

NM_000121.4(EPOR):c.1244G>A (p.Ser415Asn)

Gene: EPOR (erythropoietin receptor; minus strand). Cytogenetic location: 19p13.2.
Variant type: single nucleotide variant.
Coding change: c.1244G>A on transcript NM_000121.4 (MANE Select); coding-DNA position 1244, G replaced by A.
Protein change: p.Ser415Asn; replaces serine 415 with asparagine.
Molecular consequence: missense variant. On other transcripts: non-coding transcript variant (1).
Genome position (GRCh38, 1-based): chr19:11,378,267, C>T on the plus strand (G>A on the coding strand, the complement: EPOR is on the minus strand). VCF-style: chr19-11378267-C-T. GRCh37 (hg19) VCF-style: chr19-11488943-C-T.
Other names: p.Ser415Asn; short protein forms S415N.
Identifiers: ClinVar variation 4542308 (VCV004542308.1).
Genomic context (GRCh38, chr19:11,378,267, plus strand): 5'-AGCTGGGAGCTGGGGTCCAGGATAGTGTACTCAAAGCTGGCAGCAGAGGCTCCCTCTGGG[C>T]TGGGCTTCGAGGCCAAAGCAGATGAGCAGGAGGATGCTTCTGAGCCTTCATCCATGGCCA-3'
Protein context (NP_000112.1, residues 405-425): SCSSALASKP[Ser415Asn]PEGASAASFE